The following is an entry in ClinVar:

NM_018685.5(ANLN):c.3271A>G (p.Thr1091Ala)

Gene: ANLN (anillin, actin binding protein; plus strand). Cytogenetic location: 7p14.2.
Variant type: single nucleotide variant.
Coding change: c.3271A>G on transcript NM_018685.5 (MANE Select); coding-DNA position 3271, A replaced by G.
Protein change: p.Thr1091Ala; replaces threonine 1091 with alanine.
Molecular consequence: missense variant.
Genome position (GRCh38, 1-based): chr7:36,452,496, A>G. VCF-style: chr7-36452496-A-G. GRCh37 (hg19) VCF-style: chr7-36492105-A-G.
Other names: c.3160A>G, p.Thr1054Ala (NM_001284301.3); c.3157A>G, p.Thr1053Ala (NM_001284302.3); short protein forms T1053A, T1054A, T1091A.
Identifiers: ClinVar variation 4540441 (VCV004540441.1).

ClinVar aggregate classification (germline): Uncertain significance (1 of 4 stars; one submission).

Conditions:
Focal segmental glomerulosclerosis 8 (FSGS8). Identifiers: Orphanet 656, MedGen C4014993, MONDO:0014462, OMIM 616032.

Submission:

MVZ Medizinische Genetik Mainz
Classification: Uncertain significance for Focal segmental glomerulosclerosis 8. Last evaluated: 2025-11-27. Review status: criteria provided, single submitter. Criteria: UK Practice Guidelines For Variant Classification V4 01 2020. Collection method: clinical testing. Allele origin: germline. Inheritance: Autosomal dominant inheritance. Affected: yes. Observed: 1 variant allele.
Comment: ACMG Criteria: PP3_MOD,PM2_SUP